The following is an entry in ClinVar:

NM_001354930.2(RIPK1):c.1150T>C (p.Tyr384His)

Gene: RIPK1 (receptor interacting serine/threonine kinase 1; plus strand). Cytogenetic location: 6p25.2.
Variant type: single nucleotide variant.
Coding change: c.1150T>C on transcript NM_001354930.2 (MANE Select); coding-DNA position 1150, T replaced by C.
Protein change: p.Tyr384His; replaces tyrosine 384 with histidine.
Molecular consequence: missense variant.
Genome position (GRCh38, 1-based): chr6:3,105,625, T>C. VCF-style: chr6-3105625-T-C. GRCh37 (hg19) VCF-style: chr6-3105859-T-C.
Other names: c.661T>C, p.Tyr221His (NM_001317061.3, NM_001354932.2, NM_001354933.2 and 1 more transcripts); c.1012T>C, p.Tyr338His (NM_001354931.2); c.1150T>C, p.Tyr384His (NM_003804.6); short protein forms Y221H, Y338H, Y384H.
Identifiers: ClinVar variation 2101915 (VCV002101915.4), dbSNP rs2533342343, ClinGen allele CA362571508.

ClinVar aggregate classification (germline): Uncertain significance (1 of 4 stars; one submission).

Submission:

Labcorp Genetics (formerly Invitae), Labcorp
Classification: Uncertain significance. Last evaluated: 2022-02-22. Review status: criteria provided, single submitter. Criteria: Invitae Variant Classification Sherloc (09022015). Collection method: clinical testing. Allele origin: germline.
Comment: This variant is not present in population databases (gnomAD no frequency). This sequence change replaces tyrosine, which is neutral and polar, with histidine, which is basic and polar, at codon 384 of the RIPK1 protein (p.Tyr384His). This variant has not been reported in the literature in individuals affected with RIPK1-related conditions. In summary, the available evidence is currently insufficient to determine the role of this variant in disease. Therefore, it has been classified as a Variant of Uncertain Significance. Algorithms developed to predict the effect of missense changes on protein structure and function are either unavailable or do not agree on the potential impact of this missense change (SIFT: "Not Available"; PolyPhen-2: "Probably Damaging"; Align-GVGD: "Not Available").